The following is an entry in ClinVar:

NM_000277.3(PAH):c.1076C>T (p.Ser359Leu)

Gene: PAH (phenylalanine hydroxylase; minus strand). Cytogenetic location: 12q23.2.
Variant type: single nucleotide variant.
Coding change: c.1076C>T on transcript NM_000277.3 (MANE Select); coding-DNA position 1076, C replaced by T.
Protein change: p.Ser359Leu; replaces serine 359 with leucine.
Molecular consequence: missense variant.
Genome position (GRCh38, 1-based): chr12:102,843,769, G>A on the plus strand (C>T on the coding strand, the complement: PAH is on the minus strand). VCF-style: chr12-102843769-G-A. GRCh37 (hg19) VCF-style: chr12-103237547-G-A.
Other names: NM_000277.1:c.1076C>T; c.1076C>T, p.Ser359Leu (NM_001354304.2); short protein forms S359L.
Identifiers: ClinVar variation 1327561 (VCV001327561.3), dbSNP rs5030854, ClinGen allele CA16020934.

ClinVar aggregate classification (germline): Likely pathogenic. Review status: reviewed by expert panel (3 of 4 stars). 3 submissions from 3 submitters: Likely pathogenic (1). 2 of the submissions do not count toward it. Last evaluated 2020-06-19.

Conditions:
Phenylketonuria (PKU). Also called: Phenylketonuria (PKU); FOLLING DISEASE; OLIGOPHRENIA PHENYLPYRUVICA; Phenylketonurias. Identifiers: Orphanet 716, MedGen C0031485, MONDO:0009861, OMIM 261600. Disease mechanism: loss of function.

Submissions (3):

ClinGen PAH Variant Curation Expert Panel
Classification: Likely pathogenic for Phenylketonuria. Last evaluated: 2020-06-19. Review status: reviewed by expert panel. Criteria: ClinGen PAH ACMG Specifications v1. Collection method: curation. Allele origin: germline. Inheritance: Autosomal recessive inheritance.
Comment: The c.1076C>T (p.Ser359Leu) variant in PAH has been reported in multiple individuals with classic PKU (BH4 deficiency excluded). (PMID: 26503515). This variant is absent in population databases. This variant was detected in trans with pathogenic variant p.T278I in 2 patients (PMID: 30050108). Computational evidence supports a deleterious effect. In summary, this variant meets criteria to be classified as likely pathogenic for PAH. PAH-specific ACMG/AMP criteria applied: PP4_Moderate, PM2, PM3_strong, PP3.

Women's Health and Genetics/Laboratory Corporation of America, LabCorp
Classification: Likely pathogenic for Phenylketonuria. Last evaluated: 2025-05-08. Review status: criteria provided, single submitter. Criteria: LabCorp Variant Classification Summary - May 2015. Collection method: clinical testing. Allele origin: germline. Not counted in ClinVar's aggregate classification.
Comment: Variant summary: PAH c.1076C>T (p.Ser359Leu) results in a non-conservative amino acid change in the encoded protein sequence. Algorithms developed to predict the effect of missense changes on protein structure and function all suggest that this variant is likely to be disruptive. The variant was absent in 251142 control chromosomes (gnomAD). c.1076C>T has been observed in individuals affected with Phenylalanine Hydroxylase Deficiency (Phenylketonuria)(e.g., Li_2018, Wang_2018, Ferreira_2021). These data indicate that the variant is likely to be associated with disease. To our knowledge, no experimental evidence demonstrating an impact on protein function has been reported. The following publications have been ascertained in the context of this evaluation (PMID: 26503515, 30050108, 29499199, 33465300). ClinVar contains an entry for this variant (Variation ID: 1327561). Based on the evidence outlined above, the variant was classified as likely pathogenic.

Baylor Genetics
Classification: Likely pathogenic for Phenylketonuria. Last evaluated: 2023-06-21. Review status: criteria provided, single submitter. Criteria: ACMG Guidelines, 2015. Collection method: clinical testing. Allele origin: unknown. Not counted in ClinVar's aggregate classification.

Literature cited by the submitters: PubMed 26503515 (cited by ClinGen PAH Variant Curation Expert Panel and Women's Health and Genetics/Laboratory Corporation of America, LabCorp); PubMed 29499199 (cited by Women's Health and Genetics/Laboratory Corporation of America, LabCorp); PubMed 30050108 (cited by Women's Health and Genetics/Laboratory Corporation of America, LabCorp); PubMed 33465300 (cited by Women's Health and Genetics/Laboratory Corporation of America, LabCorp).